The following is an entry in ClinVar:

ClinVar aggregate classification (germline): Uncertain significance (1 of 4 stars; one submission).

gnomAD v4.1: 1 of 1,612,884 alleles (0.000062%); highest among the groups gnomAD compares: African/African-American, 0.0013%; no homozygotes.

Submission:

GeneDx
Classification: Uncertain significance. Last evaluated: 2025-03-07. Review status: criteria provided, single submitter. Criteria: GeneDx Variant Classification Process June 2021. Collection method: clinical testing. Allele origin: germline. Affected: yes.
Comment: Not observed at significant frequency in large population cohorts (gnomAD); In silico analysis supports that this missense variant has a deleterious effect on protein structure/function; Has not been previously published as pathogenic or benign to our knowledge

NM_003587.5(DHX16):c.381C>A (p.His127Gln)

Gene: DHX16 (DEAH-box helicase 16; minus strand). Cytogenetic location: 6p21.33.
Variant type: single nucleotide variant.
Coding change: c.381C>A on transcript NM_003587.5 (MANE Select); coding-DNA position 381, C replaced by A.
Protein change: p.His127Gln; replaces histidine 127 with glutamine.
Molecular consequence: missense variant. On other transcripts: 5 prime UTR variant (1).
Genome position (GRCh38, 1-based): chr6:30,671,101, G>T on the plus strand (C>A on the coding strand, the complement: DHX16 is on the minus strand). VCF-style: chr6-30671101-G-T. GRCh37 (hg19) VCF-style: chr6-30638878-G-T.
Other names: c.201C>A, p.His67Gln (NM_001164239.2); c.-1739C>A (NM_001363515.2); short protein forms H127Q, H67Q.
Identifiers: ClinVar variation 4083072 (VCV004083072.1).